The following is an entry in ClinVar:

NM_001267727.2(ARSG):c.286C>G (p.Leu96Val)

Gene: ARSG (arylsulfatase G; plus strand). Cytogenetic location: 17q24.2.
Variant type: single nucleotide variant.
Coding change: c.286C>G on transcript NM_001267727.2 (MANE Select); coding-DNA position 286, C replaced by G.
Protein change: p.Leu96Val; replaces leucine 96 with valine.
Molecular consequence: missense variant.
Genome position (GRCh38, 1-based): chr17:68,343,671, C>G. VCF-style: chr17-68343671-C-G. GRCh37 (hg19) VCF-style: chr17-66339812-C-G.
Other names: c.286C>G (NM_014960.3); c.286C>G, p.Leu96Val (NM_001352899.2, NM_001352900.2, NM_001352901.2 and 9 more transcripts); short protein forms L96V.
Identifiers: ClinVar variation 1023660 (VCV001023660.13), dbSNP rs781555327, ClinGen allele CA400738261.
Genomic context (GRCh38, chr17:68,343,671, plus strand): 5'-GATTTCCATGCAGCTGCCTCCACCTGCTCACCCTCCCGGGCTTCCTTGCTCACCGGCCGG[C>G]TTGGCCTTCGCAATGGAGTCACACGCAACTTTGCAGTCACTTCTGTGGGAGGCCTTCCGC-3'
Protein context (NP_001254656.1, residues 86-106): PSRASLLTGR[Leu96Val]GLRNGVTRNF

ClinVar aggregate classification (germline): Uncertain significance. Review status: criteria provided, multiple submitters, no conflicts (2 of 4 stars). 2 submissions from 2 submitters: Uncertain significance (2). Last evaluated 2025-11-03.

gnomAD v4.1: 2 of 1,614,190 alleles (0.00012%); highest among the groups gnomAD compares: African/African-American, 0.0013%; no homozygotes.

Submissions (2):

Labcorp Genetics (formerly Invitae), Labcorp
Classification: Uncertain significance. Last evaluated: 2025-11-03. Review status: criteria provided, single submitter. Criteria: Invitae Variant Classification Sherloc (09022015). Collection method: clinical testing. Allele origin: germline.
Comment: This sequence change replaces leucine, which is neutral and non-polar, with valine, which is neutral and non-polar, at codon 96 of the ARSG protein (p.Leu96Val). This variant is not present in population databases (gnomAD no frequency). This variant has not been reported in the literature in individuals affected with ARSG-related conditions. ClinVar contains an entry for this variant (Variation ID: 1023660). Invitae Evidence Modeling of protein sequence and biophysical properties (such as structural, functional, and spatial information, amino acid conservation, physicochemical variation, residue mobility, and thermodynamic stability) indicates that this missense variant is expected to disrupt ARSG protein function with a positive predictive value of 80%. In summary, the available evidence is currently insufficient to determine the role of this variant in disease. Therefore, it has been classified as a Variant of Uncertain Significance.

Ambry Genetics
Classification: Uncertain significance. Last evaluated: 2025-01-21. Review status: criteria provided, single submitter. Criteria: Ambry Variant Classification Scheme 2023. Collection method: clinical testing. Allele origin: germline.